The following is an entry in ClinVar:

ClinVar aggregate classification (germline): Uncertain significance (1 of 4 stars; one submission).

Conditions:
DMXL2-related disorder. Also called: DMXL2-related condition.

Allele frequency attached by ClinVar (database versions not stated): gnomAD 0.00001; TOPMed 0.00001; gnomAD exomes 0.00002.
gnomAD v4.1: 32 of 1,613,932 alleles (0.002%); highest among the groups gnomAD compares: Non-Finnish European, 0.0026%; no homozygotes.

Submission:

PreventionGenetics, part of Exact Sciences
Classification: Uncertain significance for DMXL2-related condition. Last evaluated: 2023-07-18. Review status: criteria provided, single submitter. Criteria: ACMG Guidelines, 2015. Collection method: clinical testing. Allele origin: germline.
Comment: The DMXL2 c.4159G>A variant is predicted to result in the amino acid substitution p.Ala1387Thr. To our knowledge, this variant has not been reported in the literature. This variant is reported in 0.0065% of alleles in individuals of European (Non-Finnish) descent in gnomAD. At this time, the clinical significance of this variant is uncertain due to the absence of conclusive functional and genetic evidence.

NM_001378457.1(DMXL2):c.4159G>A (p.Ala1387Thr)

Gene: DMXL2 (Dmx like 2; minus strand). Cytogenetic location: 15q21.2.
Variant type: single nucleotide variant.
Coding change: c.4159G>A on transcript NM_001378457.1 (MANE Select); coding-DNA position 4159, G replaced by A.
Protein change: p.Ala1387Thr; replaces alanine 1387 with threonine.
Molecular consequence: missense variant. On other transcripts: non-coding transcript variant (2), intron variant (2).
Genome position (GRCh38, 1-based): chr15:51,499,065, C>T on the plus strand (G>A on the coding strand, the complement: DMXL2 is on the minus strand). VCF-style: chr15-51499065-C-T. GRCh37 (hg19) VCF-style: chr15-51791262-C-T.
Other names: c.4159G>A, p.Ala1387Thr (NM_001174116.3, NM_001378458.1, NM_001378459.1 and 4 more transcripts); c.3919G>A, p.Ala1307Thr (NM_001378464.1); c.2765-7318G>A (NM_001378460.1); c.2765-3931G>A (NM_001174117.3); short protein forms A1307T, A1387T.
Identifiers: ClinVar variation 2629125 (VCV002629125.1), dbSNP rs1214741022, ClinGen allele CA392432636.